The following is an entry in ClinVar:

NM_017617.5(NOTCH1):c.1608del (p.Cys537fs)

Gene: NOTCH1 (notch receptor 1; minus strand). Cytogenetic location: 9q34.3.
Variant type: Deletion.
Coding change: c.1608del on transcript NM_017617.5 (MANE Select); coding-DNA position 1608, one base deleted (C; older notation c.1608delC).
Protein change: p.Cys537fs; shifts the reading frame from cysteine 537.
Molecular consequence: frameshift variant.
Genome position (GRCh38, 1-based): chr9:136,516,042, G deleted on the plus strand (C on the coding strand, the reverse complement: NOTCH1 is on the minus strand); the first of 5 consecutive G bases (chr9:136,516,042-136,516,046); deleting any one gives the same sequence. VCF-style (leftmost placement, unchanged base first): chr9-136516041-AG-A. GRCh37 (hg19) VCF-style: chr9-139410493-AG-A.
Other names: short protein forms C537fs.
Identifiers: ClinVar variation 4991713 (VCV004991713.1).

ClinVar aggregate classification (germline): Pathogenic (1 of 4 stars; one submission).

Conditions:
NOTCH1-related disorder. Also called: NOTCH1-related disorders; NOTCH1-related condition.

Submission:

PreventionGenetics, part of Exact Sciences
Classification: Pathogenic for NOTCH1-related condition. Last evaluated: 2026-08-31. Review status: criteria provided, single submitter. Criteria: ACMG Guidelines, 2015. Collection method: clinical testing. Allele origin: germline.
Comment: The NOTCH1 c.1608delC variant is predicted to result in a frameshift and premature protein termination (p.Cys537Alafs*94). To our knowledge, this variant has not been reported in the literature or in a large population database (gnomAD), indicating this variant is rare. Frameshift variants in NOTCH1 are expected to be pathogenic. This variant is interpreted as pathogenic.